The following is an entry in ClinVar:

ClinVar aggregate classification (germline): Uncertain significance (1 of 4 stars; one submission).

Conditions:
EAST syndrome (SESAMES). Also called: SEIZURES, SENSORINEURAL DEAFNESS, ATAXIA, IMPAIRED INTELLECTUAL DEVELOPMENT, AND ELECTROLYTE IMBALANCE. Identifiers: Orphanet 199343, MedGen C2748572, MONDO:0013005, OMIM 612780.

Submission:

Labcorp Genetics (formerly Invitae), Labcorp
Classification: Uncertain significance for EAST syndrome. Last evaluated: 2025-01-13. Review status: criteria provided, single submitter. Criteria: Invitae Variant Classification Sherloc (09022015). Collection method: clinical testing. Allele origin: germline.
Comment: This sequence change replaces tryptophan, which is neutral and slightly polar, with arginine, which is basic and polar, at codon 79 of the KCNJ10 protein (p.Trp79Arg). This variant is not present in population databases (gnomAD no frequency). This variant has not been reported in the literature in individuals affected with KCNJ10-related conditions. ClinVar contains an entry for this variant (Variation ID: 1395317). Invitae Evidence Modeling of protein sequence and biophysical properties (such as structural, functional, and spatial information, amino acid conservation, physicochemical variation, residue mobility, and thermodynamic stability) indicates that this missense variant is expected to disrupt KCNJ10 protein function with a positive predictive value of 95%. In summary, the available evidence is currently insufficient to determine the role of this variant in disease. Therefore, it has been classified as a Variant of Uncertain Significance.

NM_002241.5(KCNJ10):c.235T>C (p.Trp79Arg)

Gene: KCNJ10 (potassium inwardly rectifying channel subfamily J member 10; minus strand). Cytogenetic location: 1q23.2.
Variant type: single nucleotide variant.
Coding change: c.235T>C on transcript NM_002241.5 (MANE Select); coding-DNA position 235, T replaced by C.
Protein change: p.Trp79Arg; replaces tryptophan 79 with arginine.
Molecular consequence: missense variant.
Genome position (GRCh38, 1-based): chr1:160,042,298, A>G on the plus strand (T>C on the coding strand, the complement: KCNJ10 is on the minus strand). VCF-style: chr1-160042298-A-G. GRCh37 (hg19) VCF-style: chr1-160012088-A-G.
Other names: short protein forms W79R.
Identifiers: ClinVar variation 1395317 (VCV001395317.6), dbSNP rs2101925083, ClinGen allele CA343229356.